The following is an entry in ClinVar:

ClinVar aggregate classification (germline): Uncertain significance (1 of 4 stars; one submission).

Conditions:
X-linked lymphoproliferative disease due to XIAP deficiency. Also called: XIAP-Related Lymphoproliferative Disease, X-Linked; XIAP DEFICIENCY. Identifiers: Orphanet 2442, Orphanet 538934, MedGen C1845076, MONDO:0010385, OMIM 300635.

Submission:

Labcorp Genetics (formerly Invitae), Labcorp
Classification: Uncertain significance for X-linked lymphoproliferative disease due to XIAP deficiency. Last evaluated: 2024-10-17. Review status: criteria provided, single submitter. Criteria: Invitae Variant Classification Sherloc (09022015). Collection method: clinical testing. Allele origin: germline.
Comment: This sequence change replaces serine, which is neutral and polar, with phenylalanine, which is neutral and non-polar, at codon 241 of the XIAP protein (p.Ser241Phe). This variant is not present in population databases (gnomAD no frequency). This variant has not been reported in the literature in individuals affected with XIAP-related conditions. An algorithm developed to predict the effect of missense changes on protein structure and function (PolyPhen-2) suggests that this variant is likely to be tolerated. In summary, the available evidence is currently insufficient to determine the role of this variant in disease. Therefore, it has been classified as a Variant of Uncertain Significance.

NM_001167.4(XIAP):c.722C>T (p.Ser241Phe)

Gene: XIAP (X-linked inhibitor of apoptosis; plus strand). Cytogenetic location: Xq25.
Variant type: single nucleotide variant.
Coding change: c.722C>T on transcript NM_001167.4 (MANE Select); coding-DNA position 722, C replaced by T.
Protein change: p.Ser241Phe; replaces serine 241 with phenylalanine.
Molecular consequence: missense variant.
Genome position (GRCh38, 1-based): chrX:123,886,384, C>T. VCF-style: chrX-123886384-C-T. GRCh37 (hg19) VCF-style: chrX-123020234-C-T.
Other names: c.722C>T, p.Ser241Phe (NM_001204401.2, NM_001378590.1, NM_001378591.1 and 1 more transcripts); short protein forms S241F.
Identifiers: ClinVar variation 2805091 (VCV002805091.3), dbSNP rs2053351816, ClinGen allele CA414124329.